The following is an entry in ClinVar:

ClinVar aggregate classification (germline): Likely benign (0 of 4 stars; one submission).

Conditions:
RRAS-related disorder. Also called: RRAS-related condition.

Allele frequency attached by ClinVar (database versions not stated): TOPMed 0.00001.

Submission:

PreventionGenetics, part of Exact Sciences
Classification: Likely benign for RRAS-related condition. Last evaluated: 2020-01-09. Review status: no assertion criteria provided. Collection method: clinical testing. Allele origin: germline.
Comment: This variant is classified as likely benign based on ACMG/AMP sequence variant interpretation guidelines (Richards et al. 2015 PMID: 25741868, with internal and published modifications).

NM_006270.5(RRAS):c.57T>C (p.Pro19=)

Gene: RRAS (RAS related; minus strand). Cytogenetic location: 19q13.33.
Variant type: single nucleotide variant.
Coding change: c.57T>C on transcript NM_006270.5 (MANE Select); coding-DNA position 57, T replaced by C.
Protein change: p.Pro19=; no amino-acid change (proline 19 retained).
Molecular consequence: synonymous variant.
Genome position (GRCh38, 1-based): chr19:49,640,042, A>G on the plus strand (T>C on the coding strand, the complement: RRAS is on the minus strand). VCF-style: chr19-49640042-A-G. GRCh37 (hg19) VCF-style: chr19-50143299-A-G.
Identifiers: ClinVar variation 3039264 (VCV003039264.2), dbSNP rs781209876, ClinGen allele CA508131250.
Genomic context (GRCh38, chr19:49,640,042, plus strand): 5'-GCCGCCGCCGCCCACGACCACCAGCTTGTGTGTCTCGCTGGGCGGGGGGTCCCCGGGCCC[A>G]GGTCCCCCGCCCCGGGGCCGCCCCCGCCCTGTCCCGGACGCCGCCCCGCTGCTCATGTCG-3'
Protein context (NP_006261.1, residues 9-29): TGRGRPRGGG[Pro19=]GPGDPPPSET